The following is an entry in ClinVar:

NC_000011.10:g.(?_108257471)_(108259085_?)del

Gene: ATM (ATM serine/threonine kinase; plus strand). Cytogenetic location: 11q22.3.
Variant type: Deletion.
Identifiers: ClinVar variation 643717 (VCV000643717.1).

ClinVar aggregate classification (germline): Uncertain significance (1 of 4 stars; one submission).

Conditions:
Ataxia-telangiectasia syndrome (AT). Also called: LOUIS-BAR SYNDROME; Ataxia-telangiectasia, complementation group E; Ataxia-telangiectasia, complementation group D; AT, COMPLEMENTATION GROUP C; Ataxia telangiectasia (A-T); Cerebello-oculocutaneous telangiectasia. Identifiers: Orphanet 100, MedGen C0004135, MONDO:0008840, OMIM 208900.

Submission:

Labcorp Genetics (formerly Invitae), Labcorp
Classification: Uncertain significance for Ataxia-telangiectasia syndrome. Last evaluated: 2018-07-23. Review status: criteria provided, single submitter. Criteria: Invitae Variant Classification Sherloc (09022015). Collection method: clinical testing. Allele origin: germline.
Comment: This variant is an in-frame deletion of the genomic region encompassing exons 15-16 of the ATM gene. It preserves the integrity of the reading frame. This variant has not been reported in the literature in individuals with ATM-related disease. Experimental studies are not available for this variant, and the functional significance of the deleted exons is currently unknown. In summary, the available evidence is currently insufficient to determine the role of this variant in disease. Therefore, it has been classified as a Variant of Uncertain Significance.